The following is an entry in ClinVar:

ClinVar aggregate classification (germline): Uncertain significance. Review status: criteria provided, multiple submitters, no conflicts (2 of 4 stars). 3 submissions from 3 submitters: Uncertain significance (3). Last evaluated 2026-01-08.

Conditions:
Inborn genetic diseases. Identifiers: MedGen C0950123, MeSH D030342.

Allele frequency attached by ClinVar (database versions not stated): TOPMed below 0.00001; gnomAD 0.00001; gnomAD exomes below 0.00001.
gnomAD v4.1: 6 of 1,613,728 alleles (0.00037%); highest among the groups gnomAD compares: Non-Finnish European, 0.00051%; no homozygotes.

Submissions (3):

Labcorp Genetics (formerly Invitae), Labcorp
Classification: Uncertain significance. Last evaluated: 2026-01-08. Review status: criteria provided, single submitter. Criteria: Invitae Variant Classification Sherloc (09022015). Collection method: clinical testing. Allele origin: germline.
Comment: This sequence change replaces valine, which is neutral and non-polar, with alanine, which is neutral and non-polar, at codon 1067 of the SAMD9 protein (p.Val1067Ala). This variant is not present in population databases (gnomAD no frequency). This variant has not been reported in the literature in individuals affected with SAMD9-related conditions. ClinVar contains an entry for this variant (Variation ID: 2110370). Invitae Evidence Modeling of protein sequence and biophysical properties (such as structural, functional, and spatial information, amino acid conservation, physicochemical variation, residue mobility, and thermodynamic stability) indicates that this missense variant is not expected to disrupt SAMD9 protein function with a negative predictive value of 95%. In summary, the available evidence is currently insufficient to determine the role of this variant in disease. Therefore, it has been classified as a Variant of Uncertain Significance.

Ambry Genetics
Classification: Uncertain significance for Inborn genetic diseases. Last evaluated: 2025-05-19. Review status: criteria provided, single submitter. Criteria: Ambry Variant Classification Scheme 2023. Collection method: clinical testing. Allele origin: germline.
Comment: The p.V1067A variant (also known as c.3200T>C), located in coding exon 1 of the SAMD9 gene, results from a T to C substitution at nucleotide position 3200. The valine at codon 1067 is replaced by alanine, an amino acid with similar properties. This amino acid position is conserved. In addition, this alteration is predicted to be tolerated by in silico analysis. Based on the available evidence, the clinical significance of this variant remains unclear.

GeneDx
Classification: Uncertain significance. Last evaluated: 2023-12-28. Review status: criteria provided, single submitter. Criteria: GeneDx Variant Classification Process June 2021. Collection method: clinical testing. Allele origin: germline. Affected: yes.
Comment: Not observed at significant frequency in large population cohorts (gnomAD); In silico analysis supports that this missense variant does not alter protein structure/function; Has not been previously published as pathogenic or benign to our knowledge; This variant is associated with the following publications: (PMID: 28545555)

NM_017654.4(SAMD9):c.3200T>C (p.Val1067Ala)

Gene: SAMD9 (sterile alpha motif domain containing 9; minus strand). Cytogenetic location: 7q21.2.
Variant type: single nucleotide variant.
Coding change: c.3200T>C on transcript NM_017654.4 (MANE Select); coding-DNA position 3200, T replaced by C.
Protein change: p.Val1067Ala; replaces valine 1067 with alanine.
Molecular consequence: missense variant.
Genome position (GRCh38, 1-based): chr7:93,102,898, A>G on the plus strand (T>C on the coding strand, the complement: SAMD9 is on the minus strand). VCF-style: chr7-93102898-A-G. GRCh37 (hg19) VCF-style: chr7-92732211-A-G.
Other names: c.3200T>C (NM_017654.3); c.3200T>C, p.Val1067Ala (NM_001193307.2); short protein forms V1067A.
Identifiers: ClinVar variation 2110370 (VCV002110370.4), dbSNP rs1791559677, ClinGen allele CA368188559.